The following is an entry in ClinVar:

NM_006231.4(POLE):c.4903C>T (p.His1635Tyr)

Gene: POLE (DNA polymerase epsilon, catalytic subunit; minus strand). Cytogenetic location: 12q24.33.
Variant type: single nucleotide variant.
Coding change: c.4903C>T on transcript NM_006231.4 (MANE Select); coding-DNA position 4903, C replaced by T.
Protein change: p.His1635Tyr; replaces histidine 1635 with tyrosine.
Molecular consequence: missense variant.
Genome position (GRCh38, 1-based): chr12:132,642,555, G>A on the plus strand (C>T on the coding strand, the complement: POLE is on the minus strand). VCF-style: chr12-132642555-G-A. GRCh37 (hg19) VCF-style: chr12-133219141-G-A.
Other names: short protein forms H1635Y.
Identifiers: ClinVar variation 837423 (VCV000837423.9), dbSNP rs2042171186, ClinGen allele CA387377967.
Genomic context (GRCh38, chr12:132,642,555, plus strand): 5'-ACTGTGCTCACCTGCTCATCTCGAAGGCCTGCGACAGGCAGGTGTCCAGGTTGAGGTAGT[G>A]ACGGATCATGCGCCGGGCTCCATGGCGCTGCCAGTCCAGGACCCCATAGTTGATCTTGTC-3'
Protein context (NP_006222.2, residues 1625-1645): QRHGARRMIR[His1635Tyr]YLNLDTCLSQ

ClinVar aggregate classification (germline): Uncertain significance (1 of 4 stars; one submission).

Submission:

Labcorp Genetics (formerly Invitae), Labcorp
Classification: Uncertain significance. Last evaluated: 2019-02-24. Review status: criteria provided, single submitter. Criteria: Invitae Variant Classification Sherloc (09022015). Collection method: clinical testing. Allele origin: germline.
Comment: This variant has not been reported in the literature in individuals with POLE-related conditions. In summary, the available evidence is currently insufficient to determine the role of this variant in disease. Therefore, it has been classified as a Variant of Uncertain Significance. Algorithms developed to predict the effect of missense changes on protein structure and function (SIFT, PolyPhen-2, Align-GVGD) all suggest that this variant is likely to be disruptive, but these predictions have not been confirmed by published functional studies and their clinical significance is uncertain. This variant is not present in population databases (ExAC no frequency). This sequence change replaces histidine with tyrosine at codon 1635 of the POLE protein (p.His1635Tyr). The histidine residue is highly conserved and there is a moderate physicochemical difference between histidine and tyrosine.